The following is an entry in ClinVar:

NM_000282.4(PCCA):c.50G>A (p.Arg17His)

Gene: PCCA (propionyl-CoA carboxylase subunit alpha; plus strand). Cytogenetic location: 13q32.3.
Variant type: single nucleotide variant.
Coding change: c.50G>A on transcript NM_000282.4 (MANE Select); coding-DNA position 50, G replaced by A.
Protein change: p.Arg17His; replaces arginine 17 with histidine.
Molecular consequence: missense variant. On other transcripts: 5 prime UTR variant (3), non-coding transcript variant (5).
Genome position (GRCh38, 1-based): chr13:100,089,170, G>A. VCF-style: chr13-100089170-G-A. GRCh37 (hg19) VCF-style: chr13-100741424-G-A.
Other names: c.50G>A, p.Arg17His (NM_001127692.3, NM_001178004.2, NM_001352605.2 and 4 more transcripts); c.-817G>A (NM_001352610.2, NM_001352611.2, NM_001352612.2); short protein forms R17H.
Identifiers: ClinVar variation 1429468 (VCV001429468.5), dbSNP rs768914819, ClinGen allele CA388692671.

ClinVar aggregate classification (germline): Uncertain significance (1 of 4 stars; one submission).

Conditions:
Propionic acidemia (PROP). Also called: GLYCINEMIA, KETOTIC; HYPERGLYCINEMIA WITH KETOACIDOSIS AND LEUKOPENIA; KETOTIC HYPERGLYCINEMIA. Identifiers: Orphanet 35, MedGen C0268579, MONDO:0011628, OMIM 606054, HP:0003571.

Allele frequency attached by ClinVar (database versions not stated): TOPMed below 0.00001; gnomAD 0.00002.
gnomAD v4.1: 4 of 1,529,474 alleles (0.00026%); highest among the groups gnomAD compares: African/African-American, 0.0057%; no homozygotes.

Submission:

Labcorp Genetics (formerly Invitae), Labcorp
Classification: Uncertain significance for Propionic acidemia. Last evaluated: 2022-03-07. Review status: criteria provided, single submitter. Criteria: Invitae Variant Classification Sherloc (09022015). Collection method: clinical testing. Allele origin: germline.
Comment: This sequence change replaces arginine, which is basic and polar, with histidine, which is basic and polar, at codon 17 of the PCCA protein (p.Arg17His). The frequency data for this variant in the population databases is considered unreliable, as metrics indicate poor data quality at this position in the gnomAD database. This variant has not been reported in the literature in individuals affected with PCCA-related conditions. Advanced modeling of protein sequence and biophysical properties (such as structural, functional, and spatial information, amino acid conservation, physicochemical variation, residue mobility, and thermodynamic stability) performed at Invitae indicates that this missense variant is not expected to disrupt PCCA protein function. In summary, the available evidence is currently insufficient to determine the role of this variant in disease. Therefore, it has been classified as a Variant of Uncertain Significance.